The following is an entry in ClinVar:

ClinVar aggregate classification (germline): Conflicting classifications of pathogenicity. Review status: criteria provided, conflicting classifications (1 of 4 stars). 7 submissions from 7 submitters: Uncertain significance (1); Benign (1); Likely benign (5). Last evaluated 2025-12-22.

Conditions:
Inborn genetic diseases. Identifiers: MedGen C0950123, MeSH D030342.
Familial Mediterranean fever (FMF). Also called: POLYSEROSITIS, FAMILIAL PAROXYSMAL; POLYSEROSITIS, RECURRENT; Periodic peritonitis; Benign paroxysmal peritonitis. Identifiers: Orphanet 342, MedGen C0031069, MONDO:0018088, OMIM 249100. Disease mechanism: gain of function.
Autoinflammatory syndrome. Identifiers: Orphanet 93665, MedGen C3890737, MONDO:0019751.

Allele frequency attached by ClinVar (database versions not stated): ExAC 0.00004; gnomAD 0.00007 and 0.00009; gnomAD exomes 0.00004 and 0.00006; TOPMed 0.00009; ESP Exome Variant Server 0.00023.

Submissions (7):

Labcorp Genetics (formerly Invitae), Labcorp
Classification: Likely benign for Familial Mediterranean fever. Last evaluated: 2025-12-22. Review status: criteria provided, single submitter. Criteria: Invitae Variant Classification Sherloc (09022015). Collection method: clinical testing. Allele origin: germline.

Ambry Genetics
Classification: Likely benign for Inborn genetic diseases. Last evaluated: 2025-04-05. Review status: criteria provided, single submitter. Criteria: Ambry Variant Classification Scheme 2023. Collection method: clinical testing. Allele origin: germline.

Mayo Clinic Laboratories, Mayo Clinic
Classification: Likely benign. Last evaluated: 2025-03-25. Review status: criteria provided, single submitter. Criteria: ACMG Guidelines, 2015. Collection method: clinical testing. Allele origin: germline. Observed: 1 variant allele.
Comment: BP4, BP7

Women's Health and Genetics/Laboratory Corporation of America, LabCorp
Classification: Likely benign. Last evaluated: 2019-08-28. Review status: criteria provided, single submitter. Criteria: LabCorp Variant Classification Summary - May 2015. Collection method: clinical testing. Allele origin: germline.

Genome Diagnostics Laboratory, The Hospital for Sick Children
Classification: Uncertain significance for Autoinflammatory syndrome. Last evaluated: 2019-02-01. Review status: criteria provided, single submitter. Criteria: ACMG Guidelines, 2015. Collection method: clinical testing. Allele origin: germline. Affected: yes.

ARUP Laboratories, Molecular Genetics and Genomics, ARUP Laboratories
Classification: Likely benign. Last evaluated: 2018-10-24. Review status: criteria provided, single submitter. Criteria: ARUP Molecular Germline Variant Investigation Process. Collection method: clinical testing. Allele origin: germline.

GeneDx
Classification: Benign. Last evaluated: 2015-03-03. Review status: criteria provided, single submitter. Criteria: GeneDx Variant Classification Process June 2021. Collection method: clinical testing. Allele origin: germline. Affected: yes.

NM_000243.3(MEFV):c.198C>T (p.Ala66=)

Gene: MEFV (MEFV innate immunity regulator, pyrin; minus strand). Cytogenetic location: 16p13.3.
Variant type: single nucleotide variant.
Coding change: c.198C>T on transcript NM_000243.3 (MANE Select); coding-DNA position 198, C replaced by T.
Protein change: p.Ala66=; no amino-acid change (alanine 66 retained).
Molecular consequence: synonymous variant.
Genome position (GRCh38, 1-based): chr16:3,256,390, G>A on the plus strand (C>T on the coding strand, the complement: MEFV is on the minus strand). VCF-style: chr16-3256390-G-A. GRCh37 (hg19) VCF-style: chr16-3306390-G-A.
Other names: p.Ala66=; c.198C>T, p.Ala66= (NM_001198536.2).
Identifiers: ClinVar variation 457999 (VCV000457999.26), dbSNP rs149380763, ClinGen allele CA7860511.
Genomic context (GRCh38, chr16:3,256,390, plus strand): 5'-GAGCTCCTCGGCCAGCAGGCGCTGGTTGATGGCCCGCAGGACCTGCAGGGTGAGCTGCAC[G>A]GCGTACTCTTCCCCATAGTAGGTGACCAGCAGAGTGGCCATCTTCACCGGCCTGGCTCTC-3'
Protein context (NP_000234.1, residues 56-76): LLVTYYGEEY[Ala66=]VQLTLQVLRA